The following is an entry in ClinVar:

ClinVar aggregate classification (germline): Uncertain significance. Review status: criteria provided, multiple submitters, no conflicts (2 of 4 stars). 2 submissions from 2 submitters: Uncertain significance (2). Last evaluated 2024-07-30.

Conditions:
Dilated cardiomyopathy 1AA (CMD1AA). Also called: Cardiomyopathy, dilated, 1AA, with or without LVNC; CARDIOMYOPATHY, DILATED, 1AA, WITH OR WITHOUT LEFT VENTRICULAR NONCOMPACTION; CARDIOMYOPATHY, FAMILIAL HYPERTROPHIC, 23, WITH OR WITHOUT LEFT VENTRICULAR NONCOMPACTION. Identifiers: Orphanet 154, MedGen C2677338, MONDO:0012808, OMIM 612158.
Primary familial hypertrophic cardiomyopathy (HCM). Identifiers: Orphanet 99739, MedGen C0949658, MeSH D024741, MONDO:0024573. Inheritance: Various modes of inheritance.

Submissions (2):

Labcorp Genetics (formerly Invitae), Labcorp
Classification: Uncertain significance for Primary familial hypertrophic cardiomyopathy; Dilated cardiomyopathy 1AA. Last evaluated: 2024-07-30. Review status: criteria provided, single submitter. Criteria: Invitae Variant Classification Sherloc (09022015). Collection method: clinical testing. Allele origin: germline.
Comment: This sequence change replaces arginine, which is basic and polar, with lysine, which is basic and polar, at codon 67 of the ACTN2 protein (p.Arg67Lys). This variant is not present in population databases (gnomAD no frequency). This variant has not been reported in the literature in individuals affected with ACTN2-related conditions. ClinVar contains an entry for this variant (Variation ID: 963054). Advanced modeling of protein sequence and biophysical properties (such as structural, functional, and spatial information, amino acid conservation, physicochemical variation, residue mobility, and thermodynamic stability) performed at Invitae indicates that this missense variant is not expected to disrupt ACTN2 protein function with a negative predictive value of 80%. In summary, the available evidence is currently insufficient to determine the role of this variant in disease. Therefore, it has been classified as a Variant of Uncertain Significance.

GeneDx
Classification: Uncertain significance. Last evaluated: 2022-12-14. Review status: criteria provided, single submitter. Criteria: GeneDx Variant Classification Process June 2021. Collection method: clinical testing. Allele origin: germline. Affected: yes.
Comment: Not observed at significant frequency in large population cohorts (gnomAD); In silico analysis supports that this missense variant does not alter protein structure/function; Has not been previously published as pathogenic or benign to our knowledge

NM_001103.4(ACTN2):c.200G>A (p.Arg67Lys)

Gene: ACTN2 (actinin alpha 2; plus strand). Cytogenetic location: 1q43.
Variant type: single nucleotide variant.
Coding change: c.200G>A on transcript NM_001103.4 (MANE Select); coding-DNA position 200, G replaced by A.
Protein change: p.Arg67Lys; replaces arginine 67 with lysine.
Molecular consequence: missense variant. On other transcripts: 5 prime UTR variant (1).
Genome position (GRCh38, 1-based): chr1:236,717,931, G>A. VCF-style: chr1-236717931-G-A. GRCh37 (hg19) VCF-style: chr1-236881231-G-A.
Other names: c.200G>A (NM_001103.2); c.200G>A, p.Arg67Lys (NM_001278343.2); c.-622G>A (NM_001278344.2); short protein forms R67K.
Identifiers: ClinVar variation 963054 (VCV000963054.11), dbSNP rs1658270003, ClinGen allele CA345373339.
Genomic context (GRCh38, chr1:236,717,931, plus strand): 5'-GGTGTAACTCCCACCTAAGGAAAGCCGGCACCCAGATTGAGAACATCGAGGAAGACTTCA[G>A]GAATGGCCTTAAGCTCATGCTGCTTTTGGAAGTCATCTCAGGTTGGTGTTATATATCCCA-3'
Protein context (NP_001094.1, residues 57-77): TQIENIEEDF[Arg67Lys]NGLKLMLLLE